The following is an entry in ClinVar:

ClinVar aggregate classification (germline): Likely benign (0 of 4 stars; one submission).

Conditions:
NME8-related disorder. Also called: NME8-related condition.

Allele frequency attached by ClinVar (database versions not stated): ExAC 0.00001; gnomAD 0.00001; gnomAD exomes 0.00001; TOPMed 0.00001.
gnomAD v4.1: 9 of 1,610,482 alleles (0.00056%); highest among the groups gnomAD compares: Non-Finnish European, 0.00076%; no homozygotes.

Submission:

PreventionGenetics, part of Exact Sciences
Classification: Likely benign for NME8-related condition. Last evaluated: 2024-02-01. Review status: no assertion criteria provided. Collection method: clinical testing. Allele origin: germline.
Comment: This variant is classified as likely benign based on ACMG/AMP sequence variant interpretation guidelines (Richards et al. 2015 PMID: 25741868, with internal and published modifications).

NM_016616.5(NME8):c.1089G>A (p.Lys363=)

Gene: NME8 (NME/NM23 family member 8; plus strand). Cytogenetic location: 7p14.1.
Variant type: single nucleotide variant.
Coding change: c.1089G>A on transcript NM_016616.5 (MANE Select); coding-DNA position 1089, G replaced by A.
Protein change: p.Lys363=; no amino-acid change (lysine 363 retained).
Molecular consequence: synonymous variant.
Genome position (GRCh38, 1-based): chr7:37,884,397, G>A. VCF-style: chr7-37884397-G-A. GRCh37 (hg19) VCF-style: chr7-37923999-G-A.
Identifiers: ClinVar variation 3056228 (VCV003056228.2), dbSNP rs770220386, ClinGen allele CA4222417.